The following is an entry in ClinVar:

NM_000230.3(LEP):c.488T>G (p.Leu163Arg)

Gene: LEP (leptin; plus strand). Cytogenetic location: 7q32.1.
Variant type: single nucleotide variant.
Coding change: c.488T>G on transcript NM_000230.3 (MANE Select); coding-DNA position 488, T replaced by G.
Protein change: p.Leu163Arg; replaces leucine 163 with arginine.
Molecular consequence: missense variant.
Genome position (GRCh38, 1-based): chr7:128,254,747, T>G. VCF-style: chr7-128254747-T-G. GRCh37 (hg19) VCF-style: chr7-127894800-T-G.
Other names: short protein forms L163R.
Identifiers: ClinVar variation 4983109 (VCV004983109.1).

ClinVar aggregate classification (germline): Uncertain significance (1 of 4 stars; one submission).

Conditions:
LEP-related disorder. Also called: LEP-related condition.

Submission:

PreventionGenetics, part of Exact Sciences
Classification: Uncertain significance for LEP-related condition. Last evaluated: 2026-08-18. Review status: criteria provided, single submitter. Criteria: ACMG Guidelines, 2015. Collection method: clinical testing. Allele origin: germline.
Comment: The LEP c.488T>G variant is predicted to result in the amino acid substitution p.Leu163Arg. To our knowledge, this variant has not been reported in the literature. This variant is reported in 0.0055% of alleles in individuals of European (Non-Finnish) descent in gnomAD. At this time, the clinical significance of this variant is uncertain due to the absence of conclusive functional and genetic evidence.